The following is an entry in ClinVar:

ClinVar aggregate classification (germline): Uncertain significance. Review status: criteria provided, multiple submitters, no conflicts (2 of 4 stars). 3 submissions from 3 submitters: Uncertain significance (3). Last evaluated 2025-01-19.

Conditions:
Inborn genetic diseases. Identifiers: MedGen C0950123, MeSH D030342.
Hypercalcemia, infantile, 1 (HCINF1). Identifiers: Orphanet 300547, MedGen CN031131, MONDO:0020739, OMIM 143880.

Allele frequency attached by ClinVar (database versions not stated): TOPMed 0.00001; gnomAD 0.00002; gnomAD exomes 0.00003 and 0.00006; ExAC 0.00019.
gnomAD v4.1: 43 of 1,581,378 alleles (0.0027%); highest among the groups gnomAD compares: South Asian, 0.04%; no homozygotes.

Submissions (3):

Ambry Genetics
Classification: Uncertain significance for Inborn genetic diseases. Last evaluated: 2025-01-19. Review status: criteria provided, single submitter. Criteria: Ambry Variant Classification Scheme 2023. Collection method: clinical testing. Allele origin: germline.

Fulgent Genetics
Classification: Uncertain significance for Hypercalcemia, infantile, 1. Last evaluated: 2024-03-02. Review status: criteria provided, single submitter. Criteria: ACMG Guidelines, 2015. Collection method: clinical testing. Allele origin: germline.

Labcorp Genetics (formerly Invitae), Labcorp
Classification: Uncertain significance. Last evaluated: 2021-10-31. Review status: criteria provided, single submitter. Criteria: Invitae Variant Classification Sherloc (09022015). Collection method: clinical testing. Allele origin: germline.
Comment: In summary, the available evidence is currently insufficient to determine the role of this variant in disease. Therefore, it has been classified as a Variant of Uncertain Significance. Advanced modeling of protein sequence and biophysical properties (such as structural, functional, and spatial information, amino acid conservation, physicochemical variation, residue mobility, and thermodynamic stability) performed at Invitae indicates that this missense variant is not expected to disrupt CYP24A1 protein function. This variant has not been reported in the literature in individuals affected with CYP24A1-related conditions. This variant is present in population databases (rs747328734, gnomAD 0.04%). This sequence change replaces serine, which is neutral and polar, with glycine, which is neutral and non-polar, at codon 8 of the CYP24A1 protein (p.Ser8Gly).

NM_000782.5(CYP24A1):c.22A>G (p.Ser8Gly)

Gene: CYP24A1 (cytochrome P450 family 24 subfamily A member 1; minus strand). Cytogenetic location: 20q13.2.
Variant type: single nucleotide variant.
Coding change: c.22A>G on transcript NM_000782.5 (MANE Select); coding-DNA position 22, A replaced by G.
Protein change: p.Ser8Gly; replaces serine 8 with glycine.
Molecular consequence: missense variant.
Genome position (GRCh38, 1-based): chr20:54,173,558, T>C on the plus strand (A>G on the coding strand, the complement: CYP24A1 is on the minus strand). VCF-style: chr20-54173558-T-C. GRCh37 (hg19) VCF-style: chr20-52790097-T-C.
Other names: c.22A>G, p.Ser8Gly (NM_001128915.2); c.22A>G (NM_000782.4); short protein forms S8G.
Identifiers: ClinVar variation 1446612 (VCV001446612.8), dbSNP rs747328734, ClinGen allele CA9916293.
Genomic context (GRCh38, chr20:54,173,558, plus strand): 5'-CCAGTCTCGGGGGCTGCCTCGGACTGCGCAGCTGCTGCAGGAAGGCGGCAAGCGAGCGGC[T>C]CTTGCTGATGGGGGAGCTCATGGCAGCGGGGGACACCGGAGCGCGGGAAGGCAGGAGGAT-3'
Protein context (NP_000773.2, residues 1-18): MSSPISK[Ser8Gly]RSLAAFLQQL